The following is an entry in ClinVar:

NM_198253.3(TERT):c.2408G>A (p.Ser803Asn)

Gene: TERT (telomerase reverse transcriptase; minus strand). Cytogenetic location: 5p15.33.
Variant type: single nucleotide variant.
Coding change: c.2408G>A on transcript NM_198253.3 (MANE Select); coding-DNA position 2408, G replaced by A.
Protein change: p.Ser803Asn; replaces serine 803 with asparagine.
Molecular consequence: missense variant.
Genome position (GRCh38, 1-based): chr5:1,271,179, C>T on the plus strand (G>A on the coding strand, the complement: TERT is on the minus strand). VCF-style: chr5-1271179-C-T. GRCh37 (hg19) VCF-style: chr5-1271294-C-T.
Other names: c.2408G>A, p.Ser803Asn (NM_001193376.3, NM_003219.1); short protein forms S803N.
Identifiers: ClinVar variation 1790831 (VCV001790831.3), dbSNP rs760914366, ClinGen allele CA3184523.

ClinVar aggregate classification (germline): Uncertain significance. Review status: criteria provided, multiple submitters, no conflicts (2 of 4 stars). 2 submissions from 2 submitters: Uncertain significance (2). Last evaluated 2023-09-12.

Conditions:
Dyskeratosis congenita. Identifiers: Orphanet 1775, MedGen C0265965, MONDO:0015780.
TERT-related disorder. Also called: TERT-related condition; TERT-related disorders.

Allele frequency attached by ClinVar (database versions not stated): ExAC 0.00002.
gnomAD v4.1: 2 of 1,613,080 alleles (0.00012%); highest among the groups gnomAD compares: South Asian, 0.0022%; no homozygotes.

Submissions (2):

PreventionGenetics, part of Exact Sciences
Classification: Uncertain significance for TERT-related condition. Last evaluated: 2023-09-12. Review status: criteria provided, single submitter. Criteria: ACMG Guidelines, 2015. Collection method: clinical testing. Allele origin: germline.
Comment: The TERT c.2408G>A variant is predicted to result in the amino acid substitution p.Ser803Asn. To our knowledge, this variant has not been reported in the literature. This variant is reported in 0.0065% of alleles in individuals of South Asian descent in gnomAD. At this time, the clinical significance of this variant is uncertain due to the absence of conclusive functional and genetic evidence.

Ambry Genetics
Classification: Uncertain significance for Dyskeratosis congenita. Last evaluated: 2022-04-03. Review status: criteria provided, single submitter. Criteria: Ambry Variant Classification Scheme 2023. Collection method: clinical testing. Allele origin: germline.
Comment: The p.S803N variant (also known as c.2408G>A), located in coding exon 8 of the TERT gene, results from a G to A substitution at nucleotide position 2408. The serine at codon 803 is replaced by asparagine, an amino acid with highly similar properties. This amino acid position is conserved. In addition, this alteration is predicted to be tolerated by in silico analysis. Since supporting evidence is limited at this time, the clinical significance of this alteration remains unclear.